The following is an entry in ClinVar:

NM_206933.4(USH2A):c.4559T>A (p.Ile1520Asn)

Gene: USH2A (usherin; minus strand). Cytogenetic location: 1q41.
Variant type: single nucleotide variant.
Coding change: c.4559T>A on transcript NM_206933.4 (MANE Select); coding-DNA position 4559, T replaced by A.
Protein change: p.Ile1520Asn; replaces isoleucine 1520 with asparagine.
Molecular consequence: missense variant.
Genome position (GRCh38, 1-based): chr1:216,175,320, A>T on the plus strand (T>A on the coding strand, the complement: USH2A is on the minus strand). VCF-style: chr1-216175320-A-T. GRCh37 (hg19) VCF-style: chr1-216348662-A-T.
Other names: c.4559T>A, p.Ile1520Asn (NM_007123.6); c.4559T>A (NM_206933.2); short protein forms I1520N.
Identifiers: ClinVar variation 166502 (VCV000166502.6), dbSNP rs727503730, ClinGen allele CA179563.

ClinVar aggregate classification (germline): Uncertain significance. Review status: criteria provided, multiple submitters, no conflicts (2 of 4 stars). 2 submissions from 2 submitters: Uncertain significance (2). Last evaluated 2025-06-03.

Conditions:
Inborn genetic diseases. Identifiers: MedGen C0950123, MeSH D030342.

Allele frequency attached by ClinVar (database versions not stated): gnomAD exomes below 0.00001; TOPMed below 0.00001; gnomAD 0.00001.
gnomAD v4.1: 4 of 1,613,696 alleles (0.00025%); highest among the groups gnomAD compares: Admixed American, 0.0017%; no homozygotes.

Submissions (2):

Ambry Genetics
Classification: Uncertain significance for Inborn genetic diseases. Last evaluated: 2025-06-03. Review status: criteria provided, single submitter. Criteria: Ambry Variant Classification Scheme 2023. Collection method: clinical testing. Allele origin: germline.

Laboratory for Molecular Medicine, Mass General Brigham Personalized Medicine
Classification: Uncertain significance. Last evaluated: 2013-11-22. Review status: criteria provided, single submitter. Criteria: LMM Criteria. Collection method: clinical testing. Allele origin: germline. Observed: 1 variant allele.
Comment: The Ile1520Asn variant in USH2A has not been previously reported in individuals with hearing loss or in large population studies. Computational analyses (amino acid biochemical properties, conservation, AlignGVGD, PolyPhen2, SIFT) do not p rovide strong evidence for or against an impact to the protein. In summary, add itional data is needed to fully assess the clinical significance of this variant .